The following is an entry in ClinVar:

NM_024740.2(ALG9):c.1077A>G (p.Ile359Met)

Gene: ALG9 (ALG9 alpha-1,2-mannosyltransferase; minus strand). Cytogenetic location: 11q23.1.
Variant type: single nucleotide variant.
Coding change: c.1077A>G on transcript NM_024740.2 (MANE Select); coding-DNA position 1077, A replaced by G.
Protein change: p.Ile359Met; replaces isoleucine 359 with methionine.
Molecular consequence: missense variant. On other transcripts: non-coding transcript variant (1).
Genome position (GRCh38, 1-based): chr11:111,840,751, T>C on the plus strand (A>G on the coding strand, the complement: ALG9 is on the minus strand). VCF-style: chr11-111840751-T-C. GRCh37 (hg19) VCF-style: chr11-111711474-T-C.
Other names: c.1077A>G, p.Ile359Met (NM_001077690.1, NM_001352417.1); c.564A>G, p.Ile188Met (NM_001077691.2, NM_001077692.2, NM_001352409.1 and 10 more transcripts); c.954A>G, p.Ile318Met (NM_001352418.1); c.489A>G, p.Ile163Met (NM_001352422.2); c.441A>G, p.Ile147Met (NM_001352423.2); short protein forms I147M, I318M, I359M, I163M, I188M.
Identifiers: ClinVar variation 2110229 (VCV002110229.4), dbSNP rs2497028867, ClinGen allele CA382597236.
Genomic context (GRCh38, chr11:111,840,751, plus strand): 5'-TATAAGTGGATACACAGGGAAAAGAAATCTCTCCTCTTTGTGAGGCTGGATGAAGAAAAT[T>C]ATAAACCAAATATACATTGGAGCCAAGGTAAGCCAATACGGGTGGCCTAAATTCTGAACT-3'
Protein context (NP_079016.2, residues 349-369): LTLAPMYIWF[Ile359Met]IFFIQPHKEE

ClinVar aggregate classification (germline): Uncertain significance (1 of 4 stars; one submission).

Conditions:
ALG9 congenital disorder of glycosylation (CDG1L). Also called: CONGENITAL DISORDER OF GLYCOSYLATION, TYPE Il; ALG9-CDG; CDG Il. Identifiers: Orphanet 79328, MedGen C2931006, MONDO:0012117, OMIM 608776.

Submission:

Labcorp Genetics (formerly Invitae), Labcorp
Classification: Uncertain significance for ALG9 congenital disorder of glycosylation. Last evaluated: 2022-03-12. Review status: criteria provided, single submitter. Criteria: Invitae Variant Classification Sherloc (09022015). Collection method: clinical testing. Allele origin: germline.
Comment: In summary, the available evidence is currently insufficient to determine the role of this variant in disease. Therefore, it has been classified as a Variant of Uncertain Significance. Experimental studies and prediction algorithms are not available or were not evaluated, and the functional significance of this variant is currently unknown. This variant has not been reported in the literature in individuals affected with ALG9-related conditions. This variant is not present in population databases (gnomAD no frequency). This sequence change replaces isoleucine, which is neutral and non-polar, with methionine, which is neutral and non-polar, at codon 359 of the ALG9 protein (p.Ile359Met).